The following is an entry in ClinVar:

ClinVar aggregate classification (germline): Uncertain significance (1 of 4 stars; one submission).

Submission:

GeneDx
Classification: Uncertain significance. Last evaluated: 2024-07-22. Review status: criteria provided, single submitter. Criteria: GeneDx Variant Classification Process June 2021. Collection method: clinical testing. Allele origin: germline. Affected: yes.
Comment: Not observed at significant frequency in large population cohorts (gnomAD); In silico analysis supports that this missense variant has a deleterious effect on protein structure/function; Has not been previously published as pathogenic or benign to our knowledge; This variant is associated with the following publications: (PMID: 26029160)

NM_001330260.2(SCN8A):c.4432G>T (p.Asp1478Tyr)

Gene: SCN8A (sodium voltage-gated channel alpha subunit 8; plus strand). Cytogenetic location: 12q13.13.
Variant type: single nucleotide variant.
Coding change: c.4432G>T on transcript NM_001330260.2 (MANE Select); coding-DNA position 4432, G replaced by T.
Protein change: p.Asp1478Tyr; replaces aspartic acid 1478 with tyrosine.
Molecular consequence: missense variant.
Genome position (GRCh38, 1-based): chr12:51,790,410, G>T. VCF-style: chr12-51790410-G-T. GRCh37 (hg19) VCF-style: chr12-52184194-G-T.
Other names: c.4309G>T, p.Asp1437Tyr (NM_001177984.3, NM_001369788.1); c.4432G>T, p.Asp1478Tyr (NM_014191.4); short protein forms D1437Y, D1478Y.
Identifiers: ClinVar variation 3603026 (VCV003603026.1).